The following is an entry in ClinVar:

NM_001378414.1(HDAC4):c.2230C>A (p.Leu744Ile)

Gene: HDAC4 (histone deacetylase 4; minus strand). Cytogenetic location: 2q37.3.
Variant type: single nucleotide variant.
Coding change: c.2230C>A on transcript NM_001378414.1 (MANE Select); coding-DNA position 2230, C replaced by A.
Protein change: p.Leu744Ile; replaces leucine 744 with isoleucine.
Molecular consequence: missense variant.
Genome position (GRCh38, 1-based): chr2:239,102,779, G>T on the plus strand (C>A on the coding strand, the complement: HDAC4 is on the minus strand). VCF-style: chr2-239102779-G-T. GRCh37 (hg19) VCF-style: chr2-240024475-G-T.
Other names: c.2230C>A, p.Leu744Ile (NM_001378415.1); c.2215C>A, p.Leu739Ile (NM_001378416.1, NM_001378417.1, NM_006037.4); short protein forms L739I, L744I.
Identifiers: ClinVar variation 1309275 (VCV001309275.2), dbSNP rs2152765443, ClinGen allele CA351267546.

ClinVar aggregate classification (germline): Uncertain significance (1 of 4 stars; one submission).

Submission:

GeneDx
Classification: Uncertain significance. Last evaluated: 2019-10-10. Review status: criteria provided, single submitter. Criteria: GeneDx Variant Classification Process June 2021. Collection method: clinical testing. Allele origin: germline. Affected: yes.
Comment: Not observed in large population cohorts (Lek et al., 2016); In silico analysis, which includes protein predictors and evolutionary conservation, supports that this variant does not alter protein structure/function; Has not been previously published as pathogenic or benign to our knowledge